The following is an entry in ClinVar:

ClinVar aggregate classification (germline): Uncertain significance (1 of 4 stars; one submission).

Conditions:
Hereditary cancer-predisposing syndrome. Also called: Neoplastic Syndromes, Hereditary; Tumor predisposition; Hereditary neoplastic syndrome; Hereditary Cancer Syndrome. Identifiers: Orphanet 140162, MedGen C0027672, MeSH D009386, MONDO:0015356.

Allele frequency attached by ClinVar (database versions not stated): gnomAD exomes below 0.00001.
gnomAD v4.1: 1 of 1,612,194 alleles (0.000062%); highest among the groups gnomAD compares: Non-Finnish European, 0.000085%; no homozygotes.

Submission:

Ambry Genetics
Classification: Uncertain significance for Hereditary cancer-predisposing syndrome. Last evaluated: 2023-11-11. Review status: criteria provided, single submitter. Criteria: Ambry Variant Classification Scheme 2023. Collection method: clinical testing. Allele origin: germline.
Comment: The p.Y6D variant (also known as c.16T>G), located in coding exon 1 of the HOXB13 gene, results from a T to G substitution at nucleotide position 16. The tyrosine at codon 6 is replaced by aspartic acid, an amino acid with highly dissimilar properties. This amino acid position is conserved. In addition, this alteration is predicted to be tolerated by in silico analysis. Since supporting evidence is limited at this time, the clinical significance of this alteration remains unclear.

NM_006361.6(HOXB13):c.16T>G (p.Tyr6Asp)

Gene: HOXB13 (homeobox B13; minus strand). Cytogenetic location: 17q21.32.
Variant type: single nucleotide variant.
Coding change: c.16T>G on transcript NM_006361.6 (MANE Select); coding-DNA position 16, T replaced by G.
Protein change: p.Tyr6Asp; replaces tyrosine 6 with aspartic acid.
Molecular consequence: missense variant.
Genome position (GRCh38, 1-based): chr17:48,728,578, A>C on the plus strand (T>G on the coding strand, the complement: HOXB13 is on the minus strand). VCF-style: chr17-48728578-A-C. GRCh37 (hg19) VCF-style: chr17-46805940-A-C.
Other names: short protein forms Y6D.
Identifiers: ClinVar variation 3225532 (VCV003225532.1), dbSNP rs2509516242, ClinGen allele CA400109954.